The following is an entry in ClinVar:

ClinVar aggregate classification (germline): Uncertain significance (1 of 4 stars; one submission).

Conditions:
Werner syndrome (WRN). Identifiers: Orphanet 902, MedGen C0043119, MONDO:0010196, OMIM 277700.

Submission:

Labcorp Genetics (formerly Invitae), Labcorp
Classification: Uncertain significance for Werner syndrome. Last evaluated: 2024-08-07. Review status: criteria provided, single submitter. Criteria: Invitae Variant Classification Sherloc (09022015). Collection method: clinical testing. Allele origin: germline.
Comment: This sequence change falls in intron 3 of the WRN gene. It does not directly change the encoded amino acid sequence of the WRN protein. This variant is not present in population databases (gnomAD no frequency). This variant has not been reported in the literature in individuals affected with WRN-related conditions. This variant is also known as c.210-64_233dup (p.Val79Phefs*7). Experimental studies and prediction algorithms are not available or were not evaluated, and the effect of this variant on mRNA splicing is currently unknown. In summary, the available evidence is currently insufficient to determine the role of this variant in disease. Therefore, it has been classified as a Variant of Uncertain Significance.

NM_000553.6(WRN):c.210-64_233dup

Gene: WRN (WRN RecQ like helicase; plus strand). Cytogenetic location: 8p12.
Variant type: Duplication.
Coding change: c.210-64_233dup on transcript NM_000553.6 (MANE Select); 64 bases into the intron before coding-DNA position 210 through coding-DNA position 233, 88 bases duplicated.
Molecular consequence: splice acceptor variant.
Genome position (GRCh38, 1-based): chr8:31,064,225-31,064,312, 88 bases duplicated. GRCh37 (hg19): chr8:30,921,741-30,921,828.
Identifiers: ClinVar variation 3640476 (VCV003640476.2).